The following is an entry in ClinVar:

NM_001005373.4(LRSAM1):c.1840T>C (p.Ser614Pro)

Gene: LRSAM1 (leucine rich repeat and sterile alpha motif containing 1; plus strand). Cytogenetic location: 9q33.3.
Variant type: single nucleotide variant.
Coding change: c.1840T>C on transcript NM_001005373.4 (MANE Select); coding-DNA position 1840, T replaced by C.
Protein change: p.Ser614Pro; replaces serine 614 with proline.
Molecular consequence: missense variant. On other transcripts: non-coding transcript variant (2).
Genome position (GRCh38, 1-based): chr9:127,497,262, T>C. VCF-style: chr9-127497262-T-C. GRCh37 (hg19) VCF-style: chr9-130259541-T-C.
Other names: c.1840T>C, p.Ser614Pro (NM_001005374.4, NM_001384142.1, NM_138361.5); c.1759T>C, p.Ser587Pro (NM_001190723.3); c.1741T>C, p.Ser581Pro (NM_001384143.1); c.1051T>C, p.Ser351Pro (NM_001384144.1); short protein forms S351P, S614P, S581P, S587P.
Identifiers: ClinVar variation 2846166 (VCV002846166.3), dbSNP rs2539450747, ClinGen allele CA374936404.

ClinVar aggregate classification (germline): Uncertain significance (1 of 4 stars; one submission).

Conditions:
Charcot-Marie-Tooth disease axonal type 2P. Also called: CHARCOT-MARIE-TOOTH DISEASE, AXONAL, TYPE 2G; CMT 2G; CHARCOT-MARIE-TOOTH NEUROPATHY, TYPE 2P; Charcot-Marie-Tooth Neuropathy Type 2G. Identifiers: Orphanet 300319, Orphanet 99941, MedGen C3280797, MONDO:0013753, OMIM 614436.

Allele frequency attached by ClinVar (database versions not stated): gnomAD exomes below 0.00001.
gnomAD v4.1: 4 of 1,613,236 alleles (0.00025%); highest among the groups gnomAD compares: South Asian, 0.0044%; no homozygotes.

Submission:

Labcorp Genetics (formerly Invitae), Labcorp
Classification: Uncertain significance for Charcot-Marie-Tooth disease axonal type 2P. Last evaluated: 2023-04-28. Review status: criteria provided, single submitter. Criteria: Invitae Variant Classification Sherloc (09022015). Collection method: clinical testing. Allele origin: germline.
Comment: In summary, the available evidence is currently insufficient to determine the role of this variant in disease. Therefore, it has been classified as a Variant of Uncertain Significance. Advanced modeling of protein sequence and biophysical properties (such as structural, functional, and spatial information, amino acid conservation, physicochemical variation, residue mobility, and thermodynamic stability) performed at Invitae indicates that this missense variant is not expected to disrupt LRSAM1 protein function. This variant has not been reported in the literature in individuals affected with LRSAM1-related conditions. This variant is not present in population databases (gnomAD no frequency). This sequence change replaces serine, which is neutral and polar, with proline, which is neutral and non-polar, at codon 614 of the LRSAM1 protein (p.Ser614Pro).